The following is an entry in ClinVar:

NM_002959.7(SORT1):c.1620C>T (p.Ser540=)

Gene: SORT1 (sortilin 1; minus strand). Cytogenetic location: 1p13.3.
Variant type: single nucleotide variant.
Coding change: c.1620C>T on transcript NM_002959.7 (MANE Select); coding-DNA position 1620, C replaced by T.
Protein change: p.Ser540=; no amino-acid change (serine 540 retained).
Molecular consequence: synonymous variant.
Genome position (GRCh38, 1-based): chr1:109,327,015, G>A on the plus strand (C>T on the coding strand, the complement: SORT1 is on the minus strand). VCF-style: chr1-109327015-G-A. GRCh37 (hg19) VCF-style: chr1-109869637-G-A.
Other names: c.1209C>T, p.Ser403= (NM_001205228.2).
Identifiers: ClinVar variation 3045046 (VCV003045046.2), dbSNP rs201347823, ClinGen allele CA989824.

ClinVar aggregate classification (germline): Benign (0 of 4 stars; one submission).

Conditions:
SORT1-related disorder. Also called: SORT1-related condition.

Allele frequency attached by ClinVar (database versions not stated): TOPMed 0.00027; gnomAD 0.00104; gnomAD exomes 0.00180; ExAC 0.00422; 1000 Genomes Project 30x 0.00656; 1000 Genomes Project 0.00659.
gnomAD v4.1: 2,814 of 1,612,182 alleles (0.17%); highest among the groups gnomAD compares: South Asian, 2.9%; 75 homozygotes.

Submission:

PreventionGenetics, part of Exact Sciences
Classification: Benign for SORT1-related condition. Last evaluated: 2019-04-09. Review status: no assertion criteria provided. Collection method: clinical testing. Allele origin: germline.
Comment: This variant is classified as benign based on ACMG/AMP sequence variant interpretation guidelines (Richards et al. 2015 PMID: 25741868, with internal and published modifications).